The following is an entry in ClinVar:

NM_020987.5(ANK3):c.8728A>G (p.Asn2910Asp)

Gene: ANK3 (ankyrin 3; minus strand). Cytogenetic location: 10q21.2.
Variant type: single nucleotide variant.
Coding change: c.8728A>G on transcript NM_020987.5 (MANE Select); coding-DNA position 8728, A replaced by G.
Protein change: p.Asn2910Asp; replaces asparagine 2910 with aspartic acid.
Molecular consequence: missense variant. On other transcripts: intron variant (4).
Genome position (GRCh38, 1-based): chr10:60,072,153, T>C on the plus strand (A>G on the coding strand, the complement: ANK3 is on the minus strand). VCF-style: chr10-60072153-T-C. GRCh37 (hg19) VCF-style: chr10-61831911-T-C.
Other names: c.4388-4144A>G (NM_001204403.2); c.4409-4144A>G (NM_001204404.2); c.4406-4144A>G (NM_001320874.2); c.1808-4144A>G (NM_001149.4); short protein forms N2910D.
Identifiers: ClinVar variation 1375026 (VCV001375026.6), dbSNP rs753149099, ClinGen allele CA377005026.

ClinVar aggregate classification (germline): Uncertain significance (1 of 4 stars; one submission).

Allele frequency attached by ClinVar (database versions not stated): gnomAD 0.00001.
gnomAD v4.1: 1 of 1,613,788 alleles (0.000062%); highest among the groups gnomAD compares: Non-Finnish European, 0.000085%; no homozygotes.

Submission:

Labcorp Genetics (formerly Invitae), Labcorp
Classification: Uncertain significance. Last evaluated: 2021-08-23. Review status: criteria provided, single submitter. Criteria: Invitae Variant Classification Sherloc (09022015). Collection method: clinical testing. Allele origin: germline.
Comment: In summary, the available evidence is currently insufficient to determine the role of this variant in disease. Therefore, it has been classified as a Variant of Uncertain Significance. Algorithms developed to predict the effect of missense changes on protein structure and function are either unavailable or do not agree on the potential impact of this missense change (SIFT: "Not Available"; PolyPhen-2: "Benign"; Align-GVGD: "Not Available"). This variant has not been reported in the literature in individuals affected with ANK3-related conditions. This variant is not present in population databases (ExAC no frequency). This sequence change replaces asparagine with aspartic acid at codon 2910 of the ANK3 protein (p.Asn2910Asp). The asparagine residue is weakly conserved and there is a small physicochemical difference between asparagine and aspartic acid.